The following is an entry in ClinVar:

NM_017802.4(DNAAF5):c.2434G>A (p.Val812Ile)

Gene: DNAAF5 (dynein axonemal assembly factor 5; plus strand). Cytogenetic location: 7p22.3.
Variant type: single nucleotide variant.
Coding change: c.2434G>A on transcript NM_017802.4 (MANE Select); coding-DNA position 2434, G replaced by A.
Protein change: p.Val812Ile; replaces valine 812 with isoleucine.
Molecular consequence: missense variant. On other transcripts: non-coding transcript variant (1).
Genome position (GRCh38, 1-based): chr7:785,519, G>A. VCF-style: chr7-785519-G-A. GRCh37 (hg19) VCF-style: chr7-825156-G-A.
Other names: short protein forms V812I.
Identifiers: ClinVar variation 2596548 (VCV002596548.3), dbSNP rs777649527, ClinGen allele CA4111216.

ClinVar aggregate classification (germline): Uncertain significance (1 of 4 stars; one submission).

Conditions:
Primary ciliary dyskinesia. Also called: Ciliary dyskinesia. Identifiers: Orphanet 244, MedGen C0008780, MONDO:0016575, HP:0012265.

Allele frequency attached by ClinVar (database versions not stated): gnomAD 0.00001; gnomAD exomes 0.00001; ExAC 0.00003; TOPMed 0.00003.
gnomAD v4.1: 15 of 1,613,546 alleles (0.00093%); highest among the groups gnomAD compares: Admixed American, 0.0083%; no homozygotes.

Submission:

Ambry Genetics
Classification: Uncertain significance for Primary ciliary dyskinesia. Last evaluated: 2026-04-29. Review status: criteria provided, single submitter. Criteria: Ambry Variant Classification Scheme 2023. Collection method: clinical testing. Allele origin: germline.
Comment: The p.V812I variant (also known as c.2434G>A), located in coding exon 13 of the DNAAF5 gene, results from a G to A substitution at nucleotide position 2434. The valine at codon 812 is replaced by isoleucine, an amino acid with highly similar properties. This amino acid position is conserved. In addition, this alteration is predicted to be tolerated by in silico analysis. Based on the available evidence, the clinical significance of this variant remains unclear.